The following is an entry in ClinVar:

ClinVar aggregate classification (germline): Likely benign (1 of 4 stars; one submission).

gnomAD v4.1: 8 of 1,082,870 alleles (0.00074%); highest among the groups gnomAD compares: Non-Finnish European, 0.0009%; no homozygotes.

Submission:

GeneDx
Classification: Likely benign. Last evaluated: 2017-01-17. Review status: criteria provided, single submitter. Criteria: GeneDx Variant Classification (06012015). Collection method: clinical testing. Allele origin: germline. Affected: yes.
Comment: This variant is considered likely benign or benign based on one or more of the following criteria: it is a conservative change, it occurs at a poorly conserved position in the protein, it is predicted to be benign by multiple in silico algorithms, and/or has population frequency not consistent with disease.

NM_003036.4(SKI):c.-28G>T

Gene: SKI (SKI proto-oncogene; plus strand). Cytogenetic location: 1p36.33.
Variant type: single nucleotide variant.
Coding change: c.-28G>T on transcript NM_003036.4 (MANE Select); 28 bases upstream of the start codon, G replaced by T.
Molecular consequence: 5 prime UTR variant.
Genome position (GRCh38, 1-based): chr1:2,228,739, G>T. VCF-style: chr1-2228739-G-T. GRCh37 (hg19) VCF-style: chr1-2160178-G-T.
Identifiers: ClinVar variation 393061 (VCV000393061.1), dbSNP rs1057524766, ClinGen allele CA16603545.
Genomic context (GRCh38, chr1:2,228,739, plus strand): 5'-GCGCCGCCGGGGCGCGCGGGGCGGCGGCGGGGGCCGGGGGGGCCCGGGCGCGCGGGAGCG[G>T]GAGCGGCCGGGGGAGCCGGAGCGCACCATGGAGGCGGCGGCAGGCGGCCGCGGCTGTTTC-3'